The following is an entry in ClinVar:

ClinVar aggregate classification (germline): Likely pathogenic. Review status: criteria provided, multiple submitters, no conflicts (2 of 4 stars). 2 submissions from 2 submitters: Likely pathogenic (2). Last evaluated 2025-07-31.

Conditions:
Microcephaly, facial dysmorphism, renal agenesis, and ambiguous genitalia syndrome. Identifiers: MedGen C4748348, MONDO:0020647, OMIM 618142.

Allele frequency attached by ClinVar (database versions not stated): gnomAD exomes 0.00003; TOPMed 0.00003; ExAC 0.00004; gnomAD 0.00008.
gnomAD v4.1: 56 of 1,574,130 alleles (0.0036%); highest among the groups gnomAD compares: Middle Eastern, 0.017%; no homozygotes.

Submissions (2):

First Genomix Gene Laboratory, Genetic Diagnostics Department
Classification: Likely pathogenic for Microcephaly, facial dysmorphism, renal agenesis, and ambiguous genitalia syndrome. Last evaluated: 2025-07-31. Review status: criteria provided, single submitter. Criteria: ACMG Guidelines, 2015. Collection method: clinical testing. Allele origin: germline. Inheritance: Autosomal recessive inheritance. Affected: no. Observed: 1 variant allele.

Labcorp Genetics (formerly Invitae), Labcorp
Classification: Likely pathogenic. Last evaluated: 2023-05-22. Review status: criteria provided, single submitter. Criteria: Invitae Variant Classification Sherloc (09022015). Collection method: clinical testing. Allele origin: germline.
Comment: In summary, the currently available evidence indicates that the variant is pathogenic, but additional data are needed to prove that conclusively. Therefore, this variant has been classified as Likely Pathogenic. Algorithms developed to predict the effect of sequence changes on RNA splicing suggest that this variant may disrupt the consensus splice site. ClinVar contains an entry for this variant (Variation ID: 1899145). This variant has not been reported in the literature in individuals affected with CTU2-related conditions. The frequency data for this variant in the population databases is considered unreliable, as metrics indicate poor data quality at this position in the gnomAD database. This sequence change affects an acceptor splice site in intron 13 of the CTU2 gene. It is expected to disrupt RNA splicing. Variants that disrupt the donor or acceptor splice site typically lead to a loss of protein function (PMID: 16199547), and loss-of-function variants in CTU2 are known to be pathogenic (PMID: 31301155, 34356170).

Literature cited by the submitters: PubMed 16199547 (cited by Labcorp Genetics (formerly Invitae), Labcorp); PubMed 31301155 (cited by Labcorp Genetics (formerly Invitae), Labcorp); PubMed 34356170 (cited by Labcorp Genetics (formerly Invitae), Labcorp).

NM_001012759.3(CTU2):c.1420-1G>A

Gene: CTU2 (cytosolic thiouridylase subunit 2; plus strand). Cytogenetic location: 16q24.3.
Variant type: single nucleotide variant.
Coding change: c.1420-1G>A on transcript NM_001012759.3 (MANE Select); the canonical splice acceptor site of the intron before coding-DNA position 1420, G replaced by A.
Molecular consequence: splice acceptor variant. On other transcripts: intron variant (1).
Genome position (GRCh38, 1-based): chr16:88,715,047, G>A. VCF-style: chr16-88715047-G-A. GRCh37 (hg19) VCF-style: chr16-88781455-G-A.
Other names: c.1633-1G>A (NM_001318507.2); c.1419+121G>A (NM_001012762.3); c.1159-1G>A (NM_001318513.2).
Identifiers: ClinVar variation 1899145 (VCV001899145.6), dbSNP rs752916256, ClinGen allele CA8231158.